The following is an entry in ClinVar:

ClinVar aggregate classification (germline): Benign/Likely benign. Review status: criteria provided, multiple submitters, no conflicts (2 of 4 stars). 3 submissions from 3 submitters: Benign (2); Likely benign (1). Last evaluated 2026-01-26.

Allele frequency attached by ClinVar (database versions not stated): gnomAD exomes 0.00074; ExAC 0.00096; gnomAD 0.00330 and 0.00365; TOPMed 0.00357; 1000 Genomes Project 0.00399; 1000 Genomes Project 30x 0.00406; ESP Exome Variant Server 0.00446.
gnomAD v4.1: 933 of 1,614,142 alleles (0.058%); highest among the groups gnomAD compares: African/African-American, 1.1%; 3 homozygotes.

Submissions (3):

Labcorp Genetics (formerly Invitae), Labcorp
Classification: Benign. Last evaluated: 2026-01-26. Review status: criteria provided, single submitter. Criteria: Invitae Variant Classification Sherloc (09022015). Collection method: clinical testing. Allele origin: germline.

Blueprint Genetics
Classification: Likely benign. Last evaluated: 2024-10-15. Review status: criteria provided, single submitter. Criteria: ACMG Guidelines, 2015. Collection method: clinical testing. Allele origin: germline.

GeneDx
Classification: Benign. Last evaluated: 2014-05-06. Review status: criteria provided, single submitter. Criteria: GeneDx Variant Classification (06012015). Collection method: clinical testing. Allele origin: germline. Affected: yes.
Comment: This variant is considered likely benign or benign based on one or more of the following criteria: it is a conservative change, it occurs at a poorly conserved position in the protein, it is predicted to be benign by multiple in silico algorithms, and/or has population frequency not consistent with disease.

NM_000350.3(ABCA4):c.5018+8A>G

Genes: ABCA4 (ATP binding cassette subfamily A member 4; minus strand), LOC126805793 (CDK7 strongly-dependent group 2 enhancer GRCh37_chr1:94486302-94487501; plus strand). Cytogenetic location: 1p22.1.
Variant type: single nucleotide variant.
Coding change: c.5018+8A>G on transcript NM_000350.3 (MANE Select); 8 bases into the intron after coding-DNA position 5018, A replaced by G.
Molecular consequence: intron variant.
Genome position (GRCh38, 1-based): chr1:94,021,232, T>C on the plus strand (A>G on the coding strand, the complement: ABCA4 is on the minus strand). VCF-style: chr1-94021232-T-C. GRCh37 (hg19) VCF-style: chr1-94486788-T-C.
Identifiers: ClinVar variation 136233 (VCV000136233.13), dbSNP rs188800817, ClinGen allele CA289212.
Genomic context (GRCh38, chr1:94,021,232, plus strand): 5'-CTCTCAGGATGTTCAAAGAGTGGAGAAGGTGACAAGAAAGTGGTGAGGCTGGGGCTGTGG[T>C]GGCTTACACTGTAATCTCTGAGAGCTGCTCCTTGGTCAGGTTCAGGGGTTGGCTAATGAC-3'